The following is an entry in ClinVar:

ClinVar aggregate classification (germline): Uncertain significance (1 of 4 stars; one submission).

Conditions:
Congenital contractural arachnodactyly (CCA). Also called: BEALS SYNDROME; Arthrogryposis, distal, type 9; Beals-Hecht syndrome. Identifiers: Orphanet 115, MedGen C0220668, MONDO:0007363, OMIM 121050.

Submission:

Labcorp Genetics (formerly Invitae), Labcorp
Classification: Uncertain significance for Congenital contractural arachnodactyly. Last evaluated: 2024-12-31. Review status: criteria provided, single submitter. Criteria: Invitae Variant Classification Sherloc (09022015). Collection method: clinical testing. Allele origin: germline.
Comment: This sequence change replaces glutamine, which is neutral and polar, with glutamic acid, which is acidic and polar, at codon 29 of the FBN2 protein (p.Gln29Glu). This variant is not present in population databases (gnomAD no frequency). This variant has not been reported in the literature in individuals affected with FBN2-related conditions. Invitae Evidence Modeling of protein sequence and biophysical properties (such as structural, functional, and spatial information, amino acid conservation, physicochemical variation, residue mobility, and thermodynamic stability) indicates that this missense variant is not expected to disrupt FBN2 protein function with a negative predictive value of 95%. In summary, the available evidence is currently insufficient to determine the role of this variant in disease. Therefore, it has been classified as a Variant of Uncertain Significance.

NM_001999.4(FBN2):c.85C>G (p.Gln29Glu)

Gene: FBN2 (fibrillin 2; minus strand). Cytogenetic location: 5q23.3.
Variant type: single nucleotide variant.
Coding change: c.85C>G on transcript NM_001999.4 (MANE Select); coding-DNA position 85, C replaced by G.
Protein change: p.Gln29Glu; replaces glutamine 29 with glutamic acid.
Molecular consequence: missense variant.
Genome position (GRCh38, 1-based): chr5:128,537,519, G>C on the plus strand (C>G on the coding strand, the complement: FBN2 is on the minus strand). VCF-style: chr5-128537519-G-C. GRCh37 (hg19) VCF-style: chr5-127873212-G-C.
Other names: short protein forms Q29E.
Identifiers: ClinVar variation 3635541 (VCV003635541.2).